The following is an entry in ClinVar:

ClinVar aggregate classification (germline): Uncertain significance (1 of 4 stars; one submission).

Conditions:
Marfan syndrome (MFS). Also called: MARFAN SYNDROME, TYPE I; Marfan syndrome type 1; Marfan's syndrome; Marfan syndrome, classic; FBN1-Related Marfan Syndrome. Identifiers: Orphanet 284963, Orphanet 558, MedGen C0024796, MONDO:0007947, OMIM 154700.

Submission:

All of Us Research Program, National Institutes of Health
Classification: Uncertain significance for Marfan syndrome. Last evaluated: 2023-12-18. Review status: criteria provided, single submitter. Criteria: ACMG Guidelines, 2015. Collection method: clinical testing. Allele origin: germline. Inheritance: Autosomal dominant inheritance. Observed: 1 variant allele, 1 heterozygote.
Comment: This missense variant replaces leucine with isoleucine at codon 406 of the FBN1 protein. Computational prediction suggests that this variant may not impact protein structure and function (internally defined REVEL score threshold <= 0.5, PMID: 27666373). To our knowledge, functional studies have not been reported for this variant. This variant has not been reported in individuals affected with FBN1-related disorders in the literature. This variant has not been identified in the general population by the Genome Aggregation Database (gnomAD). The available evidence is insufficient to determine the role of this variant in disease conclusively. Therefore, this variant is classified as a Variant of Uncertain Significance.

This study involves interpretation of variants in research participants for the purpose of population health screening. Participant phenotype was not available at the time of variant classification. Additional details can be found in publication PMID: 35346344, PMCID: PMC8962531

NM_000138.5(FBN1):c.1216C>A (p.Leu406Ile)

Gene: FBN1 (fibrillin 1; minus strand). Cytogenetic location: 15q21.1.
Variant type: single nucleotide variant.
Coding change: c.1216C>A on transcript NM_000138.5 (MANE Select); coding-DNA position 1216, C replaced by A.
Protein change: p.Leu406Ile; replaces leucine 406 with isoleucine.
Molecular consequence: missense variant.
Genome position (GRCh38, 1-based): chr15:48,516,294, G>T on the plus strand (C>A on the coding strand, the complement: FBN1 is on the minus strand). VCF-style: chr15-48516294-G-T. GRCh37 (hg19) VCF-style: chr15-48808491-G-T.
Other names: c.1216C>A, p.Leu406Ile (NM_001406716.1); short protein forms L406I.
Identifiers: ClinVar variation 3075148 (VCV003075148.1), dbSNP rs1257581073, ClinGen allele CA392345604.